The following is an entry in ClinVar:

NM_002460.4(IRF4):c.1032C>G (p.Asn344Lys)

Gene: IRF4 (interferon regulatory factor 4; plus strand). Cytogenetic location: 6p25.3.
Variant type: single nucleotide variant.
Coding change: c.1032C>G on transcript NM_002460.4 (MANE Select); coding-DNA position 1032, C replaced by G.
Protein change: p.Asn344Lys; replaces asparagine 344 with lysine.
Molecular consequence: missense variant. On other transcripts: non-coding transcript variant (1).
Genome position (GRCh38, 1-based): chr6:401,710, C>G. VCF-style: chr6-401710-C-G. GRCh37 (hg19) VCF-style: chr6-401710-C-G.
Other names: c.1029C>G, p.Asn343Lys (NM_001195286.2); short protein forms N343K, N344K.
Identifiers: ClinVar variation 2093690 (VCV002093690.4), dbSNP rs570473541, ClinGen allele CA362549314.
Genomic context (GRCh38, chr6:401,710, plus strand): 5'-CTATGCGAAAAGACTGTGCCAGAGCAGGATCTACTGGGACGGGCCCCTGGCGCTGTGCAA[C>G]GACCGGCCCAACAAACTGGAGAGAGACCAGACCTGCAAGCTCTTTGACACACAGCAGTTC-3'
Protein context (NP_002451.2, residues 334-354): IYWDGPLALC[Asn344Lys]DRPNKLERDQ

ClinVar aggregate classification (germline): Uncertain significance (1 of 4 stars; one submission).

gnomAD v4.1: 6 of 1,614,256 alleles (0.00037%); highest among the groups gnomAD compares: South Asian, 0.0022%; no homozygotes.

Submission:

Labcorp Genetics (formerly Invitae), Labcorp
Classification: Uncertain significance. Last evaluated: 2022-02-18. Review status: criteria provided, single submitter. Criteria: Invitae Variant Classification Sherloc (09022015). Collection method: clinical testing. Allele origin: germline.
Comment: In summary, the available evidence is currently insufficient to determine the role of this variant in disease. Therefore, it has been classified as a Variant of Uncertain Significance. Algorithms developed to predict the effect of missense changes on protein structure and function are either unavailable or do not agree on the potential impact of this missense change (SIFT: "Deleterious"; PolyPhen-2: "Benign"; Align-GVGD: "Class C0"). This variant has not been reported in the literature in individuals affected with IRF4-related conditions. This variant is not present in population databases (gnomAD no frequency). This sequence change replaces asparagine, which is neutral and polar, with lysine, which is basic and polar, at codon 344 of the IRF4 protein (p.Asn344Lys).